The following is an entry in ClinVar:

ClinVar aggregate classification (germline): Pathogenic (1 of 4 stars; one submission).

Conditions:
Hypertrophic cardiomyopathy. Also called: HYPERTROPHIC MYOCARDIOPATHY. Identifiers: Orphanet 217569, MedGen C0007194, MeSH D002312, MONDO:0005045, HP:0001639.

Submission:

Labcorp Genetics (formerly Invitae), Labcorp
Classification: Pathogenic for Hypertrophic cardiomyopathy. Last evaluated: 2022-10-07. Review status: criteria provided, single submitter. Criteria: Invitae Variant Classification Sherloc (09022015). Collection method: clinical testing. Allele origin: germline.
Comment: This premature translational stop signal has been observed in individual(s) with hypertrophic cardiomyopathy (PMID: 20624503). For these reasons, this variant has been classified as Pathogenic. This variant is not present in population databases (gnomAD no frequency). This sequence change creates a premature translational stop signal (p.Pro73Leufs*23) in the MYBPC3 gene. It is expected to result in an absent or disrupted protein product. Loss-of-function variants in MYBPC3 are known to be pathogenic (PMID: 19574547).

Literature cited by the submitters: PubMed 20624503; PubMed 19574547.

NM_000256.3(MYBPC3):c.218del (p.Pro73fs)

Gene: MYBPC3 (myosin binding protein C3; minus strand). Cytogenetic location: 11p11.2.
Variant type: Deletion.
Coding change: c.218del on transcript NM_000256.3 (MANE Select); coding-DNA position 218, one base deleted (C; older notation c.218delC).
Protein change: p.Pro73fs; shifts the reading frame from proline 73.
Molecular consequence: frameshift variant.
Genome position (GRCh38, 1-based): chr11:47,351,313, G deleted on the plus strand (C on the coding strand, the reverse complement: MYBPC3 is on the minus strand); the first of 3 consecutive G bases (chr11:47,351,313-47,351,315); deleting any one gives the same sequence. VCF-style (leftmost placement, unchanged base first): chr11-47351312-AG-A. GRCh37 (hg19) VCF-style: chr11-47372863-AG-A.
Other names: short protein forms P73fs.
Identifiers: ClinVar variation 2137086 (VCV002137086.4), dbSNP rs2495785981, ClinGen allele CA2580084276.